The following is an entry in ClinVar:

NM_000400.4(ERCC2):c.869A>G (p.Glu290Gly)

Gene: ERCC2 (ERCC excision repair 2, TFIIH core complex helicase subunit; minus strand). Cytogenetic location: 19q13.32.
Variant type: single nucleotide variant.
Coding change: c.869A>G on transcript NM_000400.4 (MANE Select); coding-DNA position 869, A replaced by G.
Protein change: p.Glu290Gly; replaces glutamic acid 290 with glycine.
Molecular consequence: missense variant.
Genome position (GRCh38, 1-based): chr19:45,364,066, T>C on the plus strand (A>G on the coding strand, the complement: ERCC2 is on the minus strand). VCF-style: chr19-45364066-T-C. GRCh37 (hg19) VCF-style: chr19-45867324-T-C.
Other names: c.797A>G, p.Glu266Gly (NM_001130867.2); short protein forms E266G, E290G.
Identifiers: ClinVar variation 2182665 (VCV002182665.4), dbSNP rs1294229556, ClinGen allele CA406373625.
Genomic context (GRCh38, chr19:45,364,066, plus strand): 5'-AGCACGGGGTTGGCCAGGTGGGCGTCCGTCTCCCGGGCGGCGCTGGCCTCCCGCAGCCCC[T>C]CCACCAGACGCCGGTACTCGTCCCGCAGGCGCTGCTCGTCTGTCTCTTTGATCCTGCGGA-3'
Protein context (NP_000391.1, residues 280-300): RLRDEYRRLV[Glu290Gly]GLREASAARE

ClinVar aggregate classification (germline): Uncertain significance (1 of 4 stars; one submission).

gnomAD v4.1: 1 of 1,585,542 alleles (0.000063%); highest among the groups gnomAD compares: Middle Eastern, 0.017%; no homozygotes.

Submission:

Labcorp Genetics (formerly Invitae), Labcorp
Classification: Uncertain significance. Last evaluated: 2022-07-13. Review status: criteria provided, single submitter. Criteria: Invitae Variant Classification Sherloc (09022015). Collection method: clinical testing. Allele origin: germline.
Comment: This sequence change replaces glutamic acid, which is acidic and polar, with glycine, which is neutral and non-polar, at codon 290 of the ERCC2 protein (p.Glu290Gly). This variant is not present in population databases (gnomAD no frequency). This variant has not been reported in the literature in individuals affected with ERCC2-related conditions. Algorithms developed to predict the effect of missense changes on protein structure and function are either unavailable or do not agree on the potential impact of this missense change (SIFT: "Deleterious"; PolyPhen-2: "Possibly Damaging"; Align-GVGD: "Class C0"). In summary, the available evidence is currently insufficient to determine the role of this variant in disease. Therefore, it has been classified as a Variant of Uncertain Significance.